The following is an entry in ClinVar:

NM_015978.3(TNNI3K):c.156T>A (p.Asp52Glu)

Genes: FPGT-TNNI3K (FPGT-TNNI3K readthrough; plus strand), TNNI3K (TNNI3 interacting kinase; plus strand). Cytogenetic location: 1p31.1.
Variant type: single nucleotide variant.
Coding change: c.156T>A on transcript NM_015978.3 (MANE Select); coding-DNA position 156, T replaced by A.
Protein change: p.Asp52Glu; replaces aspartic acid 52 with glutamic acid.
Molecular consequence: missense variant.
Genome position (GRCh38, 1-based): chr1:74,249,465, T>A. VCF-style: chr1-74249465-T-A. GRCh37 (hg19) VCF-style: chr1-74715149-T-A.
Other names: c.459T>A, p.Asp153Glu (NM_001112808.3, NM_001199327.2); short protein forms D153E, D52E.
Identifiers: ClinVar variation 1483528 (VCV001483528.6), dbSNP rs1165242749, ClinGen allele CA340787897.

ClinVar aggregate classification (germline): Uncertain significance (1 of 4 stars; one submission).

Allele frequency attached by ClinVar (database versions not stated): TOPMed below 0.00001.

Submission:

Labcorp Genetics (formerly Invitae), Labcorp
Classification: Uncertain significance. Last evaluated: 2024-10-22. Review status: criteria provided, single submitter. Criteria: Invitae Variant Classification Sherloc (09022015). Collection method: clinical testing. Allele origin: germline.
Comment: This sequence change replaces aspartic acid, which is acidic and polar, with glutamic acid, which is acidic and polar, at codon 52 of the TNNI3K protein (p.Asp52Glu). This variant is not present in population databases (gnomAD no frequency). This variant has not been reported in the literature in individuals affected with TNNI3K-related conditions. ClinVar contains an entry for this variant (Variation ID: 1483528). Invitae Evidence Modeling of protein sequence and biophysical properties (such as structural, functional, and spatial information, amino acid conservation, physicochemical variation, residue mobility, and thermodynamic stability) indicates that this missense variant is not expected to disrupt TNNI3K protein function with a negative predictive value of 80%. In summary, the available evidence is currently insufficient to determine the role of this variant in disease. Therefore, it has been classified as a Variant of Uncertain Significance.